The following is an entry in ClinVar:

NM_015001.3(SPEN):c.7093G>A (p.Glu2365Lys)

Gene: SPEN (spen family transcriptional repressor; plus strand). Cytogenetic location: 1p36.13.
Variant type: single nucleotide variant.
Coding change: c.7093G>A on transcript NM_015001.3 (MANE Select); coding-DNA position 7093, G replaced by A.
Protein change: p.Glu2365Lys; replaces glutamic acid 2365 with lysine.
Molecular consequence: missense variant.
Genome position (GRCh38, 1-based): chr1:15,933,333, G>A. VCF-style: chr1-15933333-G-A. GRCh37 (hg19) VCF-style: chr1-16259828-G-A.
Other names: short protein forms E2365K.
Identifiers: ClinVar variation 3772317 (VCV003772317.13).

ClinVar aggregate classification (germline): Likely benign (1 of 4 stars; one submission).

gnomAD v4.1: 13 of 1,613,994 alleles (0.00081%); highest among the groups gnomAD compares: African/African-American, 0.0053%; no homozygotes.

Submission:

CeGaT Center for Human Genetics Tuebingen
Classification: Likely benign. Last evaluated: 2025-01-01. Review status: criteria provided, single submitter. Criteria: CeGaT Center For Human Genetics Tuebingen Variant Classification Criteria Version 2. Collection method: clinical testing. Allele origin: germline. Affected: yes. Observed: 1 variant allele.
Comment: SPEN: BP4, BS1